The following is an entry in ClinVar:

NM_015192.4(PLCB1):c.178-2A>G

Gene: PLCB1 (phospholipase C beta 1; plus strand). Cytogenetic location: 20p12.3.
Variant type: single nucleotide variant.
Coding change: c.178-2A>G on transcript NM_015192.4 (MANE Select); the canonical splice acceptor site of the intron before coding-DNA position 178, A replaced by G.
Molecular consequence: splice acceptor variant.
Genome position (GRCh38, 1-based): chr20:8,371,380, A>G. VCF-style: chr20-8371380-A-G. GRCh37 (hg19) VCF-style: chr20-8352027-A-G.
Other names: c.178-2A>G (NM_182734.3).
Identifiers: ClinVar variation 2016582 (VCV002016582.4), dbSNP rs2514783845, ClinGen allele CA408262199.

ClinVar aggregate classification (germline): Likely pathogenic (1 of 4 stars; one submission).

Conditions:
Developmental and epileptic encephalopathy, 12 (DEE12). Identifiers: MedGen C3150988, MONDO:0013389, OMIM 613722.

Submission:

Labcorp Genetics (formerly Invitae), Labcorp
Classification: Likely pathogenic for Developmental and epileptic encephalopathy, 12. Last evaluated: 2022-08-24. Review status: criteria provided, single submitter. Criteria: Invitae Variant Classification Sherloc (09022015). Collection method: clinical testing. Allele origin: germline.
Comment: In summary, the currently available evidence indicates that the variant is pathogenic, but additional data are needed to prove that conclusively. Therefore, this variant has been classified as Likely Pathogenic. Algorithms developed to predict the effect of sequence changes on RNA splicing suggest that this variant may disrupt the consensus splice site. This variant has not been reported in the literature in individuals affected with PLCB1-related conditions. This variant is not present in population databases (gnomAD no frequency). This sequence change affects an acceptor splice site in intron 2 of the PLCB1 gene. It is expected to disrupt RNA splicing. Variants that disrupt the donor or acceptor splice site typically lead to a loss of protein function (PMID: 16199547), and loss-of-function variants in PLCB1 are known to be pathogenic (PMID: 24684524).

Literature cited by the submitters: PubMed 16199547; PubMed 24684524.